The following is an entry in ClinVar:

NM_001608.4(ACADL):c.722G>C (p.Gly241Ala)

Gene: ACADL (acyl-CoA dehydrogenase long chain; minus strand). Cytogenetic location: 2q34.
Variant type: single nucleotide variant.
Coding change: c.722G>C on transcript NM_001608.4 (MANE Select); coding-DNA position 722, G replaced by C.
Protein change: p.Gly241Ala; replaces glycine 241 with alanine.
Molecular consequence: missense variant.
Genome position (GRCh38, 1-based): chr2:210,205,678, C>G on the plus strand (G>C on the coding strand, the complement: ACADL is on the minus strand). VCF-style: chr2-210205678-C-G. GRCh37 (hg19) VCF-style: chr2-211070402-C-G.
Other names: short protein forms G241A.
Identifiers: ClinVar variation 593544 (VCV000593544.39), dbSNP rs146511220, ClinGen allele CA2084936.

ClinVar aggregate classification (germline): Conflicting classifications of pathogenicity. Review status: criteria provided, conflicting classifications (1 of 4 stars). 4 submissions from 4 submitters: Uncertain significance (1); Likely benign (3). Last evaluated 2025-07-30.

Conditions:
Long chain acyl-CoA dehydrogenase deficiency. Also called: LCAD deficiency. Identifiers: MedGen C0220711, MONDO:0020531.

Allele frequency attached by ClinVar (database versions not stated): ESP Exome Variant Server 0.00038; TOPMed 0.00084; 1000 Genomes Project 30x 0.00094; 1000 Genomes Project 0.00100.
gnomAD v4.1: 1,675 of 1,613,912 alleles (0.1%); highest among the groups gnomAD compares: Middle Eastern, 2.8%; 16 homozygotes.

Submissions (4):

Genomic Medicine Center of Excellence, King Faisal Specialist Hospital and Research Centre
Classification: Likely benign for Long chain acyl-CoA dehydrogenase deficiency. Last evaluated: 2025-07-30. Review status: criteria provided, single submitter. Criteria: ACMG Guidelines, 2015. Collection method: clinical testing. Allele origin: germline.

CeGaT Center for Human Genetics Tuebingen
Classification: Likely benign. Last evaluated: 2023-03-01. Review status: criteria provided, single submitter. Criteria: CeGaT Center For Human Genetics Tuebingen Variant Classification Criteria Version 2. Collection method: clinical testing. Allele origin: germline. Affected: yes. Observed: 2 variant alleles.
Comment: ACADL: BS2

Elsea Laboratory, Baylor College of Medicine
Classification: Uncertain significance. Last evaluated: 2020-04-01. Review status: criteria provided, single submitter. Criteria: ACMG Guidelines, 2015. Collection method: clinical testing. Allele origin: germline. Affected: no.

Eurofins Ntd Llc (ga)
Classification: Likely benign. Last evaluated: 2017-08-22. Review status: criteria provided, single submitter. Criteria: EGL Classification Definitions 2015. Collection method: clinical testing. Allele origin: germline. Observed: 1 variant allele, 1 heterozygote.